The following is an entry in ClinVar:

ClinVar aggregate classification (germline): Conflicting classifications of pathogenicity. Review status: criteria provided, conflicting classifications (1 of 4 stars). 4 submissions from 4 submitters: Uncertain significance (3); Benign (1). Last evaluated 2025-08-24.

Conditions:
Hereditary nonpolyposis colorectal neoplasms. Identifiers: MedGen C0009405, MeSH D003123.
Hereditary cancer-predisposing syndrome. Also called: Hereditary neoplastic syndrome; Hereditary Cancer Syndrome; Neoplastic Syndromes, Hereditary; Tumor predisposition. Identifiers: Orphanet 140162, MedGen C0027672, MeSH D009386, MONDO:0015356.
Lynch syndrome. Identifiers: Orphanet 144, MedGen C4552100, MONDO:0005835. Disease mechanism: loss of function.

Allele frequency attached by ClinVar (database versions not stated): ExAC 0.00001; gnomAD 0.00001; gnomAD exomes 0.00001; TOPMed 0.00002; ESP Exome Variant Server 0.00015.
gnomAD v4.1: 3 of 1,614,052 alleles (0.00019%); highest among the groups gnomAD compares: African/African-American, 0.0027%; no homozygotes.

Submissions (4):

Ambry Genetics
Classification: Uncertain significance for Hereditary cancer-predisposing syndrome. Last evaluated: 2025-08-24. Review status: criteria provided, single submitter. Criteria: Ambry Variant Classification Scheme 2023. Collection method: clinical testing. Allele origin: germline.
Comment: The p.I891M variant (also known as c.2673C>G), located in coding exon 4 of the MSH6 gene, results from a C to G substitution at nucleotide position 2673. The isoleucine at codon 891 is replaced by methionine, an amino acid with highly similar properties. This amino acid position is poorly conserved in available vertebrate species. In addition, this alteration is predicted to be tolerated by in silico analysis. Since supporting evidence is limited at this time, the clinical significance of this alteration remains unclear.

Labcorp Genetics (formerly Invitae), Labcorp
Classification: Benign for Hereditary nonpolyposis colorectal neoplasms. Last evaluated: 2025-04-09. Review status: criteria provided, single submitter. Criteria: Invitae Variant Classification Sherloc (09022015). Collection method: clinical testing. Allele origin: germline.

All of Us Research Program, National Institutes of Health
Classification: Uncertain significance for Lynch syndrome. Last evaluated: 2024-08-06. Review status: criteria provided, single submitter. Criteria: ACMG Guidelines, 2015. Collection method: clinical testing. Allele origin: germline. Inheritance: Autosomal dominant inheritance. Observed: 3 variant alleles, 3 heterozygotes.
Comment: This missense variant replaces isoleucine with methionine at codon 891 of the MSH6 protein. Computational prediction suggests that this variant may not impact protein structure and function (internally defined REVEL score threshold <= 0.5, PMID: 27666373). To our knowledge, functional studies have not been reported for this variant. This variant has not been reported in individuals affected with MSH6-related disorders in the literature. This variant has been identified in 2/250540 chromosomes in the general population by the Genome Aggregation Database (gnomAD). The available evidence is insufficient to determine the role of this variant in disease conclusively. Therefore, this variant is classified as a Variant of Uncertain Significance.

This study involves interpretation of variants in research participants for the purpose of population health screening. Participant phenotype was not available at the time of variant classification. Additional details can be found in publication PMID: 35346344, PMCID: PMC8962531

GeneDx
Classification: Uncertain significance. Last evaluated: 2023-11-30. Review status: criteria provided, single submitter. Criteria: GeneDx Variant Classification Process June 2021. Collection method: clinical testing. Allele origin: germline. Affected: yes.
Comment: Not observed at significant frequency in large population cohorts (gnomAD); In silico analysis supports that this missense variant does not alter protein structure/function; Observed in a patient with hereditary breast cancer who also harbored a pathogenic variant in BRCA1 (PMID: 32547938); This variant is associated with the following publications: (PMID: 23621914, 17531815, 21120944, 32547938)

NM_000179.3(MSH6):c.2673C>G (p.Ile891Met)

Gene: MSH6 (mutS homolog 6; plus strand). Cytogenetic location: 2p16.3.
Variant type: single nucleotide variant.
Coding change: c.2673C>G on transcript NM_000179.3 (MANE Select); coding-DNA position 2673, C replaced by G.
Protein change: p.Ile891Met; replaces isoleucine 891 with methionine.
Molecular consequence: missense variant.
Genome position (GRCh38, 1-based): chr2:47,800,656, C>G. VCF-style: chr2-47800656-C-G. GRCh37 (hg19) VCF-style: chr2-48027795-C-G.
Other names: c.2283C>G, p.Ile761Met (NM_001281492.2); c.1767C>G, p.Ile589Met (NM_001281493.2, NM_001281494.2); short protein forms I891M, I761M, I589M.
Identifiers: ClinVar variation 234455 (VCV000234455.19), dbSNP rs146006741, ClinGen allele CA069419.
Genomic context (GRCh38, chr2:47,800,656, plus strand): 5'-TATAGGGATCATGGAAGAAGTTGCTGATGGTTTTAAGTCTAAAATCCTTAAGCAGGTCAT[C>G]TCTCTGCAGACAAAAAATCCTGAAGGTCGTTTTCCTGATTTGACTGTAGAATTGAACCGA-3'
Protein context (NP_000170.1, residues 881-901): GFKSKILKQV[Ile891Met]SLQTKNPEGR